The following is an entry in ClinVar:

NM_032043.3(BRIP1):c.2038T>C (p.Leu680=)

Gene: BRIP1 (BRCA1 interacting DNA helicase 1; minus strand). Cytogenetic location: 17q23.2.
Variant type: single nucleotide variant.
Coding change: c.2038T>C on transcript NM_032043.3 (MANE Select); coding-DNA position 2038, T replaced by C.
Protein change: p.Leu680=; no amino-acid change (leucine 680 retained).
Molecular consequence: synonymous variant.
Genome position (GRCh38, 1-based): chr17:61,776,460, A>G on the plus strand (T>C on the coding strand, the complement: BRIP1 is on the minus strand). VCF-style: chr17-61776460-A-G. GRCh37 (hg19) VCF-style: chr17-59853821-A-G.
Identifiers: ClinVar variation 187623 (VCV000187623.16), dbSNP rs786203872, ClinGen allele CA198120.

ClinVar aggregate classification (germline): Benign/Likely benign. Review status: criteria provided, multiple submitters, no conflicts (2 of 4 stars). 4 submissions from 4 submitters: Benign (1); Likely benign (3). Last evaluated 2025-05-18.

Conditions:
Hereditary cancer-predisposing syndrome. Also called: Hereditary Cancer Syndrome; Neoplastic Syndromes, Hereditary; Tumor predisposition; Hereditary neoplastic syndrome. Identifiers: Orphanet 140162, MedGen C0027672, MeSH D009386, MONDO:0015356.
Familial cancer of breast. Also called: BREAST CANCER, FAMILIAL; Hereditary breast cancer; hereditary breast carcinoma. Identifiers: Orphanet 227535, MedGen C0346153, MONDO:0016419, OMIM 114480. Disease mechanism: loss of function.
Fanconi anemia complementation group J. Also called: BRIP1-Related Fanconi Anemia. Identifiers: Orphanet 84, MedGen C1836860, MONDO:0012187, OMIM 609054.

Allele frequency attached by ClinVar (database versions not stated): gnomAD exomes below 0.00001; TOPMed below 0.00001; gnomAD 0.00001.
gnomAD v4.1: 3 of 1,614,062 alleles (0.00019%); highest among the groups gnomAD compares: African/African-American, 0.0027%; no homozygotes.

Submissions (4):

Labcorp Genetics (formerly Invitae), Labcorp
Classification: Likely benign for Familial cancer of breast; Fanconi anemia complementation group J. Last evaluated: 2025-05-18. Review status: criteria provided, single submitter. Criteria: Invitae Variant Classification Sherloc (09022015). Collection method: clinical testing. Allele origin: germline.

Myriad Genetics, Inc.
Classification: Benign for Familial cancer of breast. Last evaluated: 2024-09-03. Review status: criteria provided, single submitter. Criteria: Myriad Autosomal Dominant, Autosomal Recessive and X-Linked Classification Criteria (2023). Collection method: clinical testing. Allele origin: unknown.
Comment: This variant is considered benign. This variant is a silent/synonymous amino acid change and it is not expected to impact splicing.

Color Diagnostics, LLC DBA Color Health
Classification: Likely benign for Hereditary cancer-predisposing syndrome. Last evaluated: 2024-02-18. Review status: criteria provided, single submitter. Criteria: ACMG Guidelines, 2015. Collection method: clinical testing. Allele origin: germline.

Ambry Genetics
Classification: Likely benign for Hereditary cancer-predisposing syndrome. Last evaluated: 2014-12-25. Review status: criteria provided, single submitter. Criteria: Ambry Variant Classification Scheme 2023. Collection method: clinical testing. Allele origin: germline.